The following is an entry in ClinVar:

NM_001368894.2(PAX6):c.399+3A>T

Gene: PAX6 (paired box 6; minus strand). Cytogenetic location: 11p13.
Variant type: single nucleotide variant.
Coding change: c.399+3A>T on transcript NM_001368894.2 (MANE Select); 3 bases into the intron after coding-DNA position 399, A replaced by T.
Molecular consequence: intron variant. On other transcripts: 5 prime UTR variant (3).
Genome position (GRCh38, 1-based): chr11:31,801,558, T>A on the plus strand (A>T on the coding strand, the complement: PAX6 is on the minus strand). VCF-style: chr11-31801558-T-A. GRCh37 (hg19) VCF-style: chr11-31823106-T-A.
Other names: c.402+3A>T (NM_001368911.2); c.-52+3A>T (NM_001368904.2, NM_001368909.2, NM_001368906.2 and 8 more transcripts); c.156+204A>T (NM_001368928.2); c.357+3A>T (NM_001368917.2, NM_000280.6, NM_001368916.2 and 10 more transcripts); c.198+204A>T (NM_001368927.2, NM_001368925.2, NM_001368923.2 and 4 more transcripts); c.399+3A>T (NM_001368912.2, NM_001368913.2, NM_001368892.2 and 6 more transcripts); c.432+3A>T (NM_001368920.2); c.474+3A>T (NM_001368919.2, NM_001368918.2); and 2 more.
Identifiers: ClinVar variation 1446246 (VCV001446246.6), dbSNP rs2135086830, ClinGen allele CA2573146188.

ClinVar aggregate classification (germline): Uncertain significance (1 of 4 stars; one submission).

Conditions:
Irido-corneo-trabecular dysgenesis (ASGD5). Also called: ANTERIOR SEGMENT DYSGENESIS 5. Identifiers: Orphanet 708, MedGen C0344559, MONDO:0011414, OMIM 604229, HP:0000659.
Aniridia 1 (AN1). Identifiers: Orphanet 250923, MedGen C0344542, MONDO:0024507, OMIM 106210.

Submission:

Labcorp Genetics (formerly Invitae), Labcorp
Classification: Uncertain significance for Aniridia 1; Irido-corneo-trabecular dysgenesis. Last evaluated: 2022-07-12. Review status: criteria provided, single submitter. Criteria: Invitae Variant Classification Sherloc (09022015). Collection method: clinical testing. Allele origin: germline.
Comment: ClinVar contains an entry for this variant (Variation ID: 1446246). Variants that disrupt the consensus splice site are a relatively common cause of aberrant splicing (PMID: 17576681, 9536098). Algorithms developed to predict the effect of sequence changes on RNA splicing suggest that this variant may disrupt the consensus splice site. In summary, the available evidence is currently insufficient to determine the role of this variant in disease. Therefore, it has been classified as a Variant of Uncertain Significance. This sequence change falls in intron 6 of the PAX6 gene. It does not directly change the encoded amino acid sequence of the PAX6 protein. It affects a nucleotide within the consensus splice site. This variant is not present in population databases (gnomAD no frequency). This variant has not been reported in the literature in individuals affected with PAX6-related conditions.

Literature cited by the submitters: PubMed 17576681; PubMed 9536098.